The following is an entry in ClinVar:

ClinVar aggregate classification (germline): Likely benign. Review status: criteria provided, multiple submitters, no conflicts (2 of 4 stars). 3 submissions from 3 submitters: Likely benign (2). 1 of the submissions does not count toward it. Last evaluated 2026-06-12.

Conditions:
MPDZ-related disorder. Also called: MPDZ-related condition.

Allele frequency attached by ClinVar (database versions not stated): gnomAD 0.00007 and 0.00004; gnomAD exomes 0.00004; ExAC 0.00006; 1000 Genomes Project 30x 0.00016; 1000 Genomes Project 0.00020; ESP Exome Variant Server 0.00025.
gnomAD v4.1: 73 of 1,610,458 alleles (0.0045%); highest among the groups gnomAD compares: Middle Eastern, 0.033%; no homozygotes.

Submissions (3):

Women's Health and Genetics/Laboratory Corporation of America, LabCorp
Classification: Likely benign. Last evaluated: 2026-06-12. Review status: criteria provided, single submitter. Criteria: LabCorp Variant Classification Summary - May 2015. Collection method: clinical testing. Allele origin: germline.

Labcorp Genetics (formerly Invitae), Labcorp
Classification: Likely benign. Last evaluated: 2026-01-20. Review status: criteria provided, single submitter. Criteria: Invitae Variant Classification Sherloc (09022015). Collection method: clinical testing. Allele origin: germline.

PreventionGenetics, part of Exact Sciences
Classification: Likely benign for MPDZ-related condition. Last evaluated: 2022-02-27. Review status: no assertion criteria provided. Collection method: clinical testing. Allele origin: germline. Not counted in ClinVar's aggregate classification.
Comment: This variant is classified as likely benign based on ACMG/AMP sequence variant interpretation guidelines (Richards et al. 2015 PMID: 25741868, with internal and published modifications).

NM_001378778.1(MPDZ):c.174G>T (p.Leu58=)

Gene: MPDZ (multiple PDZ domain crumbs cell polarity complex component; minus strand). Cytogenetic location: 9p23.
Variant type: single nucleotide variant.
Coding change: c.174G>T on transcript NM_001378778.1 (MANE Select); coding-DNA position 174, G replaced by T.
Protein change: p.Leu58=; no amino-acid change (leucine 58 retained).
Molecular consequence: synonymous variant.
Genome position (GRCh38, 1-based): chr9:13,247,644, C>A on the plus strand (G>T on the coding strand, the complement: MPDZ is on the minus strand). VCF-style: chr9-13247644-C-A. GRCh37 (hg19) VCF-style: chr9-13247643-C-A.
Other names: c.174G>T, p.Leu58= (NM_001261406.2, NM_001261407.2, NM_001330637.2 and 14 more transcripts); c.174G>T (NM_003829.4).
Identifiers: ClinVar variation 1541817 (VCV001541817.11), dbSNP rs111448562, ClinGen allele CA4988220.
Genomic context (GRCh38, chr9:13,247,644, plus strand): 5'-ACAAGATCTATGCCATGTCGTGAATGCCTGCTTGGGTGAATGATGTCCTACCTGGTCTTT[C>A]AGCTGCTGTACAGAAGTCTGAAGGCTCAGAATCTGACTGAAGAGAGGGCTCTGCAGGACT-3'
Protein context (NP_001365707.1, residues 48-68): ILSLQTSVQQ[Leu58=]KDQVNIATSA